The following is an entry in ClinVar:

ClinVar aggregate classification (germline): Uncertain significance. Review status: criteria provided, multiple submitters, no conflicts (2 of 4 stars). 2 submissions from 2 submitters: Uncertain significance (2). Last evaluated 2025-12-03.

Conditions:
Inborn genetic diseases. Identifiers: MedGen C0950123, MeSH D030342.
Deafness-lymphedema-leukemia syndrome. Also called: Lymphedema, primary, with myelodysplasia; Emberger syndrome. Identifiers: Orphanet 3226, MedGen C3279664, MONDO:0013540, OMIM 614038.
Monocytopenia with susceptibility to infections. Also called: MONOCYTOPENIA AND MYCOBACTERIAL INFECTION SYNDROME; MONOCYTOPENIA WITH SUSCEPTIBILITY TO MYCOBACTERIAL, FUNGAL, AND PAPILLOMAVIRUS INFECTIONS AND MYELODYSPLASIA; COMBINED IMMUNODEFICIENCY WITH SUSCEPTIBILITY TO MYCOBACTERIAL, VIRAL, AND FUNGAL INFECTIONS; Dendritic cell, monocyte, B lymphocyte, and natural killer lymphocyte deficiency; IMMUNODEFICIENCY 21; GATA2 DEFICIENCY. Identifiers: Orphanet 228423, MedGen C3280030, MONDO:0013607, OMIM 614172.

Allele frequency attached by ClinVar (database versions not stated): gnomAD exomes 0.00001 and below 0.00001; ExAC 0.00002.

Submissions (2):

Ambry Genetics
Classification: Uncertain significance for Inborn genetic diseases. Last evaluated: 2025-12-03. Review status: criteria provided, single submitter. Criteria: Ambry Variant Classification Scheme 2023. Collection method: clinical testing. Allele origin: germline.
Comment: The p.F270C variant (also known as c.809T>G), located in coding exon 2 of the GATA2 gene, results from a T to G substitution at nucleotide position 809. The phenylalanine at codon 270 is replaced by cysteine, an amino acid with highly dissimilar properties. This amino acid position is not well conserved in available vertebrate species. In addition, the in silico prediction for this alteration is inconclusive. Based on the available evidence, the clinical significance of this variant remains unclear.

Labcorp Genetics (formerly Invitae), Labcorp
Classification: Uncertain significance for Monocytopenia with susceptibility to infections; Deafness-lymphedema-leukemia syndrome. Last evaluated: 2025-07-31. Review status: criteria provided, single submitter. Criteria: Invitae Variant Classification Sherloc (09022015). Collection method: clinical testing. Allele origin: germline.
Comment: This sequence change replaces phenylalanine, which is neutral and non-polar, with cysteine, which is neutral and slightly polar, at codon 270 of the GATA2 protein (p.Phe270Cys). This variant is present in population databases (rs776267955, gnomAD 0.005%). This variant has not been reported in the literature in individuals affected with GATA2-related conditions. ClinVar contains an entry for this variant (Variation ID: 656726). Invitae Evidence Modeling of protein sequence and biophysical properties (such as structural, functional, and spatial information, amino acid conservation, physicochemical variation, residue mobility, and thermodynamic stability) has been performed for this missense variant. However, the output from this modeling did not meet the statistical confidence thresholds required to predict the impact of this variant on GATA2 protein function. In summary, the available evidence is currently insufficient to determine the role of this variant in disease. Therefore, it has been classified as a Variant of Uncertain Significance.

NM_032638.5(GATA2):c.809T>G (p.Phe270Cys)

Gene: GATA2 (GATA binding protein 2; minus strand). Cytogenetic location: 3q21.3.
Variant type: single nucleotide variant.
Coding change: c.809T>G on transcript NM_032638.5 (MANE Select); coding-DNA position 809, T replaced by G.
Protein change: p.Phe270Cys; replaces phenylalanine 270 with cysteine.
Molecular consequence: missense variant.
Genome position (GRCh38, 1-based): chr3:128,485,789, A>C on the plus strand (T>G on the coding strand, the complement: GATA2 is on the minus strand). VCF-style: chr3-128485789-A-C. GRCh37 (hg19) VCF-style: chr3-128204632-A-C.
Other names: c.809T>G, p.Phe270Cys (NM_001145661.2, NM_001145662.1); short protein forms F270C.
Identifiers: ClinVar variation 656726 (VCV000656726.11), dbSNP rs776267955, ClinGen allele CA2599958.